The following is an entry in ClinVar:

NM_198253.3(TERT):c.1951G>C (p.Ala651Pro)

Gene: TERT (telomerase reverse transcriptase; minus strand). Cytogenetic location: 5p15.33.
Variant type: single nucleotide variant.
Coding change: c.1951G>C on transcript NM_198253.3 (MANE Select); coding-DNA position 1951, G replaced by C.
Protein change: p.Ala651Pro; replaces alanine 651 with proline.
Molecular consequence: missense variant. On other transcripts: non-coding transcript variant (2).
Genome position (GRCh38, 1-based): chr5:1,279,470, C>G on the plus strand (G>C on the coding strand, the complement: TERT is on the minus strand). VCF-style: chr5-1279470-C-G. GRCh37 (hg19) VCF-style: chr5-1279585-C-G.
Other names: c.1951G>C, p.Ala651Pro (NM_001193376.3); short protein forms A651P.
Identifiers: ClinVar variation 648836 (VCV000648836.12), dbSNP rs1579576105, ClinGen allele CA359080893.

ClinVar aggregate classification (germline): Uncertain significance. Review status: criteria provided, multiple submitters, no conflicts (2 of 4 stars). 2 submissions from 2 submitters: Uncertain significance (2). Last evaluated 2024-02-07.

Conditions:
Idiopathic Pulmonary Fibrosis. Also called: Idiopathic fibrosing alveolitis, chronic form; idiopathic fibrosing alveolitis. Identifiers: Orphanet 2032, MedGen C1800706, MeSH D054990, MONDO:0800504.
Dyskeratosis congenita, autosomal dominant 2. Identifiers: MedGen C3151443, MONDO:0013521, OMIM 613989.
Dyskeratosis congenita. Identifiers: Orphanet 1775, MedGen C0265965, MONDO:0015780.

Submissions (2):

Labcorp Genetics (formerly Invitae), Labcorp
Classification: Uncertain significance for Dyskeratosis congenita, autosomal dominant 2; Idiopathic Pulmonary Fibrosis. Last evaluated: 2024-02-07. Review status: criteria provided, single submitter. Criteria: Invitae Variant Classification Sherloc (09022015). Collection method: clinical testing. Allele origin: germline.
Comment: This sequence change replaces alanine, which is neutral and non-polar, with proline, which is neutral and non-polar, at codon 651 of the TERT protein (p.Ala651Pro). This variant is not present in population databases (gnomAD no frequency). This variant has not been reported in the literature in individuals affected with TERT-related conditions. ClinVar contains an entry for this variant (Variation ID: 648836). An algorithm developed to predict the effect of missense changes on protein structure and function (PolyPhen-2) suggests that this variant is likely to be disruptive. In summary, the available evidence is currently insufficient to determine the role of this variant in disease. Therefore, it has been classified as a Variant of Uncertain Significance.

Ambry Genetics
Classification: Uncertain significance for Dyskeratosis congenita. Last evaluated: 2023-07-05. Review status: criteria provided, single submitter. Criteria: Ambry Variant Classification Scheme 2023. Collection method: clinical testing. Allele origin: germline.
Comment: The p.A651P variant (also known as c.1951G>C) is located in coding exon 5 of the TERT gene. The alanine at codon 651 is replaced by proline, an amino acid with highly similar properties. This change occurs in the first base pair of coding exon 5. This amino acid position is conserved. In addition, the in silico prediction for this alteration is inconclusive. Since supporting evidence is limited at this time, the clinical significance of this alteration remains unclear.